The following is an entry in ClinVar:

NC_000005.10:g.112707389A>G

Gene: APC (APC regulator of Wnt signaling pathway; plus strand). Cytogenetic location: 5q22.2.
Variant type: single nucleotide variant.
Genome position: GRCh38 VCF-style: chr5-112707389-A-G. GRCh37 (hg19) VCF-style: chr5-112043086-A-G.
Identifiers: ClinVar variation 1472978 (VCV001472978.5), dbSNP rs1257642100, ClinGen allele CA561890090.

ClinVar aggregate classification (germline): Uncertain significance (1 of 4 stars; one submission).

Conditions:
Familial adenomatous polyposis 1 (FAP1). Also called: FAMILIAL ADENOMATOUS POLYPOSIS 1, ATTENUATED; POLYPOSIS, ADENOMATOUS INTESTINAL. Identifiers: MedGen C2713442, MONDO:0021056, OMIM 175100. Disease mechanism: loss of function.

Submission:

Labcorp Genetics (formerly Invitae), Labcorp
Classification: Uncertain significance for Familial adenomatous polyposis 1. Last evaluated: 2025-11-12. Review status: criteria provided, single submitter. Criteria: Invitae Variant Classification Sherloc (09022015). Collection method: clinical testing. Allele origin: germline.
Comment: This variant occurs in a non-coding region of the APC gene. It does not change the encoded amino acid sequence of the APC protein. This variant is present in population databases (no rsID available, gnomAD 0.02%). This variant has not been reported in the literature in individuals affected with APC-related conditions. Experimental studies and prediction algorithms are not available or were not evaluated, and the functional significance of this variant is currently unknown. In summary, the available evidence is currently insufficient to determine the role of this variant in disease. Therefore, it has been classified as a Variant of Uncertain Significance.